The following is an entry in ClinVar:

NM_000709.4(BCKDHA):c.499C>T (p.Arg167Trp)

Gene: BCKDHA (branched chain keto acid dehydrogenase E1 subunit alpha; plus strand). Cytogenetic location: 19q13.2.
Variant type: single nucleotide variant.
Coding change: c.499C>T on transcript NM_000709.4 (MANE Select); coding-DNA position 499, C replaced by T.
Protein change: p.Arg167Trp; replaces arginine 167 with tryptophan.
Molecular consequence: missense variant.
Genome position (GRCh38, 1-based): chr19:41,419,149, C>T. VCF-style: chr19-41419149-C-T. GRCh37 (hg19) VCF-style: chr19-41925054-C-T.
Other names: c.499C>T, p.Arg167Trp (NM_001164783.2); short protein forms R167W.
Identifiers: ClinVar variation 93364 (VCV000093364.9), dbSNP rs398123502, ClinGen allele CA221204.
Genomic context (GRCh38, chr19:41,419,149, plus strand): 5'-CCCCTGTACTGCCCACTCGGCTAACCATTGCCTCCTCCCCTCCTAGGTGTGCTGATGTAT[C>T]GGGACTACCCCCTGGAACTATTCATGGCCCAGTGCTATGGCAACATCAGTGACTTGGGCA-3'
Protein context (NP_000700.1, residues 157-177): QYREAGVLMY[Arg167Trp]DYPLELFMAQ

ClinVar aggregate classification (germline): Uncertain significance. Review status: criteria provided, multiple submitters, no conflicts (2 of 4 stars). 3 submissions from 3 submitters: Uncertain significance (3). Last evaluated 2021-08-31.

Conditions:
Maple syrup urine disease (MSUD). Identifiers: Orphanet 511, MedGen C0024776, MeSH D008375, MONDO:0009563. Disease mechanism: loss of function.

Allele frequency attached by ClinVar (database versions not stated): ExAC 0.00002; gnomAD exomes 0.00001 and below 0.00001.
gnomAD v4.1: 2 of 1,614,160 alleles (0.00012%); highest among the groups gnomAD compares: South Asian, 0.0022%; no homozygotes.

Submissions (3):

Labcorp Genetics (formerly Invitae), Labcorp
Classification: Uncertain significance for Maple syrup urine disease. Last evaluated: 2021-08-31. Review status: criteria provided, single submitter. Criteria: Invitae Variant Classification Sherloc (09022015). Collection method: clinical testing. Allele origin: germline.
Comment: This sequence change replaces arginine with tryptophan at codon 167 of the BCKDHA protein (p.Arg167Trp). The arginine residue is highly conserved and there is a moderate physicochemical difference between arginine and tryptophan. This variant is present in population databases (rs398123502, ExAC 0.006%). This missense change has been observed in individual(s) with MSUD (Invitae). ClinVar contains an entry for this variant (Variation ID: 93364). Advanced modeling of protein sequence and biophysical properties (such as structural, functional, and spatial information, amino acid conservation, physicochemical variation, residue mobility, and thermodynamic stability) performed at Invitae indicates that this missense variant is expected to disrupt BCKDHA protein function. In summary, the available evidence is currently insufficient to determine the role of this variant in disease. Therefore, it has been classified as a Variant of Uncertain Significance.

Blueprint Genetics
Classification: Uncertain significance. Last evaluated: 2020-04-07. Review status: criteria provided, single submitter. Criteria: ACMG Guidelines, 2015. Collection method: clinical testing. Allele origin: germline.

Eurofins Ntd Llc (ga)
Classification: Uncertain significance. Last evaluated: 2013-03-08. Review status: criteria provided, single submitter. Criteria: EGL Classification Definitions 2015. Collection method: clinical testing. Allele origin: germline. Observed: 1 variant allele, 1 heterozygote.